The following is an entry in ClinVar:

NM_005902.4(SMAD3):c.5C>T (p.Ser2Leu)

Genes: SMAD3 (SMAD family member 3; plus strand), LOC130057352 (ATAC-STARR-seq lymphoblastoid silent region 6574; plus strand). Cytogenetic location: 15q22.33.
Variant type: single nucleotide variant.
Coding change: c.5C>T on transcript NM_005902.4 (MANE Select); coding-DNA position 5, C replaced by T.
Protein change: p.Ser2Leu; replaces serine 2 with leucine.
Molecular consequence: missense variant.
Genome position (GRCh38, 1-based): chr15:67,066,159, C>T. VCF-style: chr15-67066159-C-T. GRCh37 (hg19) VCF-style: chr15-67358497-C-T.
Other names: c.5C>T, p.Ser2Leu (NM_001407011.1, NM_001407012.1, NM_001407013.1); short protein forms S2L.
Identifiers: ClinVar variation 4846934 (VCV004846934.1).

ClinVar aggregate classification (germline): Uncertain significance (1 of 4 stars; one submission).

Conditions:
Aneurysm-osteoarthritis syndrome. Also called: LOEYS-DIETZ SYNDROME WITH OSTEOARTHRITIS; ANEURYSMS-OSTEOARTHRITIS SYNDROME; SMAD3-Related Loeys-Dietz Syndrome; Loeys-Dietz syndrome, type 1C. Identifiers: Orphanet 284984, MedGen C3151087, MONDO:0013426, OMIM 613795.

Submission:

Laboratorio de Genetica e Diagnostico Molecular, Hospital Israelita Albert Einstein
Classification: Uncertain significance for Aneurysm-osteoarthritis syndrome. Last evaluated: 2026-02-05. Review status: criteria provided, single submitter. Criteria: ACMG Guidelines, 2015. Collection method: clinical testing. Allele origin: germline. Affected: yes.
Comment: ACMG classification criteria: PM2 supporting, PP2 supporting